The following is an entry in ClinVar:

NM_000535.7(PMS2):c.705+10del

Gene: PMS2 (PMS1 homolog 2, mismatch repair system component; minus strand). Cytogenetic location: 7p22.1.
Variant type: Deletion.
Coding change: c.705+10del on transcript NM_000535.7 (MANE Select); 10 bases into the intron after coding-DNA position 705, one base deleted (G; older notation c.705+10delG).
Molecular consequence: intron variant.
Genome position (GRCh38, 1-based): chr7:5,999,098, C deleted on the plus strand (G on the coding strand, the reverse complement: PMS2 is on the minus strand); the first of 2 consecutive C bases (chr7:5,999,098-5,999,099); deleting either gives the same sequence. VCF-style (leftmost placement, unchanged base first): chr7-5999097-GC-G. GRCh37 (hg19) VCF-style: chr7-6038728-GC-G.
Other names: c.300+10del (NM_001406892.1, NM_001406888.1, NM_001406890.1 and 19 more transcripts); c.396+10del (NM_001406880.1, NM_001406878.1, NM_001406881.1 and 6 more transcripts); c.537+3355del (NM_001406886.1); c.538-1675del (NM_001406884.1, NM_001406874.1); c.-229+10del (NM_001322011.2, NM_001322012.2); c.597+118del (NM_001406869.1); c.705+10del (NM_001406873.1, NM_001406912.1, NM_001322006.2 and 4 more transcripts); c.729+10del (NM_001406868.1); and 6 more.
Identifiers: ClinVar variation 2741742 (VCV002741742.3), dbSNP rs2536301248, ClinGen allele CA2697557104.

ClinVar aggregate classification (germline): Uncertain significance (1 of 4 stars; one submission).

Conditions:
Hereditary nonpolyposis colorectal neoplasms. Identifiers: MedGen C0009405, MeSH D003123.

Submission:

Labcorp Genetics (formerly Invitae), Labcorp
Classification: Uncertain significance for Hereditary nonpolyposis colorectal neoplasms. Last evaluated: 2023-07-12. Review status: criteria provided, single submitter. Criteria: Invitae Variant Classification Sherloc (09022015). Collection method: clinical testing. Allele origin: germline.
Comment: In summary, the available evidence is currently insufficient to determine the role of this variant in disease. Therefore, it has been classified as a Variant of Uncertain Significance. Algorithms developed to predict the effect of sequence changes on RNA splicing suggest that this variant may create or strengthen a splice site. This variant has not been reported in the literature in individuals affected with PMS2-related conditions. This variant is not present in population databases (gnomAD no frequency). This sequence change falls in intron 6 of the PMS2 gene. It does not directly change the encoded amino acid sequence of the PMS2 protein.